The following is an entry in ClinVar:

NM_001376.5(DYNC1H1):c.2085G>T (p.Thr695=)

Gene: DYNC1H1 (dynein cytoplasmic 1 heavy chain 1; plus strand). Cytogenetic location: 14q32.31.
Variant type: single nucleotide variant.
Coding change: c.2085G>T on transcript NM_001376.5 (MANE Select); coding-DNA position 2085, G replaced by T.
Protein change: p.Thr695=; no amino-acid change (threonine 695 retained).
Molecular consequence: synonymous variant.
Genome position (GRCh38, 1-based): chr14:101,986,310, G>T. VCF-style: chr14-101986310-G-T. GRCh37 (hg19) VCF-style: chr14-102452647-G-T.
Identifiers: ClinVar variation 1879287 (VCV001879287.29), dbSNP rs755760078, ClinGen allele CA7351767.

ClinVar aggregate classification (germline): Likely benign (1 of 4 stars; one submission).

gnomAD v4.1: 10 of 1,613,952 alleles (0.00062%); highest among the groups gnomAD compares: South Asian, 0.011%; no homozygotes.

Submission:

CeGaT Center for Human Genetics Tuebingen
Classification: Likely benign. Last evaluated: 2022-10-01. Review status: criteria provided, single submitter. Criteria: CeGaT Center For Human Genetics Tuebingen Variant Classification Criteria Version 2. Collection method: clinical testing. Allele origin: germline. Affected: yes. Observed: 1 variant allele.
Comment: DYNC1H1: BP4, BP7